The following is an entry in ClinVar:

ClinVar aggregate classification (germline): Uncertain significance (1 of 4 stars; one submission).

Submission:

GeneDx
Classification: Uncertain significance. Last evaluated: 2024-12-19. Review status: criteria provided, single submitter. Criteria: GeneDx Variant Classification Process June 2021. Collection method: clinical testing. Allele origin: germline. Affected: yes.
Comment: In silico analysis supports that this missense variant has a deleterious effect on protein structure/function; Has not been previously published as pathogenic or benign to our knowledge

NM_000937.5(POLR2A):c.1666G>C (p.Glu556Gln)

Gene: POLR2A (RNA polymerase II subunit A; plus strand). Cytogenetic location: 17p13.1.
Variant type: single nucleotide variant.
Coding change: c.1666G>C on transcript NM_000937.5 (MANE Select); coding-DNA position 1666, G replaced by C.
Protein change: p.Glu556Gln; replaces glutamic acid 556 with glutamine.
Molecular consequence: missense variant.
Genome position (GRCh38, 1-based): chr17:7,499,486, G>C. VCF-style: chr17-7499486-G-C. GRCh37 (hg19) VCF-style: chr17-7402805-G-C.
Other names: short protein forms E556Q.
Identifiers: ClinVar variation 3907853 (VCV003907853.1).